The following is an entry in ClinVar:

ClinVar aggregate classification (germline): Likely pathogenic (1 of 4 stars; one submission).

Conditions:
Developmental and epileptic encephalopathy 94 (DEE94). Also called: Epileptic encephalopathy, childhood-onset; CHD2-Related Neurodevelopmental Disorders. Identifiers: Orphanet 1942, Orphanet 2382, MedGen C3809278, MONDO:0014150, OMIM 615369.

Submission:

Labcorp Genetics (formerly Invitae), Labcorp
Classification: Likely pathogenic for Developmental and epileptic encephalopathy 94. Last evaluated: 2022-02-05. Review status: criteria provided, single submitter. Criteria: Invitae Variant Classification Sherloc (09022015). Collection method: clinical testing. Allele origin: germline.
Comment: This missense change has been observed in individual(s) with febrile seizures and developmental delay (Invitae). In at least one individual the variant was observed to be de novo. In summary, the currently available evidence indicates that the variant is pathogenic, but additional data are needed to prove that conclusively. Therefore, this variant has been classified as Likely Pathogenic. Algorithms developed to predict the effect of missense changes on protein structure and function are either unavailable or do not agree on the potential impact of this missense change (SIFT: "Deleterious"; PolyPhen-2: "Probably Damaging"; Align-GVGD: "Class C0"). ClinVar contains an entry for this variant (Variation ID: 642482). This variant is not present in population databases (gnomAD no frequency). This sequence change replaces serine, which is neutral and polar, with phenylalanine, which is neutral and non-polar, at codon 1538 of the CHD2 protein (p.Ser1538Phe).

NM_001271.4(CHD2):c.4613C>T (p.Ser1538Phe)

Gene: CHD2 (chromodomain helicase DNA binding protein 2; plus strand). Cytogenetic location: 15q26.1.
Variant type: single nucleotide variant.
Coding change: c.4613C>T on transcript NM_001271.4 (MANE Select); coding-DNA position 4613, C replaced by T.
Protein change: p.Ser1538Phe; replaces serine 1538 with phenylalanine.
Molecular consequence: missense variant.
Genome position (GRCh38, 1-based): chr15:93,012,365, C>T. VCF-style: chr15-93012365-C-T. GRCh37 (hg19) VCF-style: chr15-93555595-C-T.
Other names: short protein forms S1538F.
Identifiers: ClinVar variation 642482 (VCV000642482.9), dbSNP rs1596456893, ClinGen allele CA393905007.